The following is an entry in ClinVar:

NM_001378120.1(MBD5):c.4431_4432delinsAA (p.His1478Asn)

Gene: MBD5 (methyl-CpG binding domain protein 5; plus strand). Cytogenetic location: 2q23.1.
Variant type: Indel.
Coding change: c.4431_4432delinsAA on transcript NM_001378120.1 (MANE Select); coding-DNA positions 4431 to 4432, GC replaced by AA.
Protein change: p.His1478Asn; replaces histidine 1478 with asparagine.
Molecular consequence: missense variant.
Genome position (GRCh38, 1-based): chr2:148,490,063-148,490,064, GC replaced by AA. VCF-style: chr2-148490063-GC-AA. GRCh37 (hg19) VCF-style: chr2-149247632-GC-AA.
Other names: c.3732_3733delinsAA, p.His1245Asn (NM_018328.5); short protein forms H1245N, H1478N.
Identifiers: ClinVar variation 1223801 (VCV001223801.6), dbSNP rs2105129435, ClinGen allele CA2499214979.
Genomic context (GRCh38, chr2:148,490,063, plus strand): 5'-TAGTCCTTGTCATGAAAGGCCCAACAATGTCTCTACACTGCCATTTCTGCCTGGGGAACA[GC>AA]ACCCAATACTGTTACCACCAAGAAACTGTCCAGGGGATAAAATTCTAGAGGAAAATTTCA-3'
Protein context (NP_001365049.1, residues 1468-1488): STLPFLPGEQ[His1478Asn]PILLPPRNCP

ClinVar aggregate classification (germline): Conflicting classifications of pathogenicity. Review status: criteria provided, conflicting classifications (1 of 4 stars). 2 submissions from 2 submitters: Uncertain significance (1); Likely benign (1). Last evaluated 2024-03-20.

Conditions:
Intellectual developmental disorder, autosomal dominant 1. Also called: MBD5 Haploinsufficiency; Intellectual disability, autosomal dominant 1. Identifiers: Orphanet 228402, MedGen C1969562, MONDO:0007974, OMIM 156200.

Submissions (2):

Labcorp Genetics (formerly Invitae), Labcorp
Classification: Uncertain significance for Intellectual developmental disorder, autosomal dominant 1. Last evaluated: 2024-03-20. Review status: criteria provided, single submitter. Criteria: Invitae Variant Classification Sherloc (09022015). Collection method: clinical testing. Allele origin: germline.
Comment: This sequence change replaces histidine, which is basic and polar, with asparagine, which is neutral and polar, at codon 1245 of the MBD5 protein (p.His1245Asn). Information on the frequency of this variant in the gnomAD database is not available, as this variant may be reported differently in the database. This variant has not been reported in the literature in individuals affected with MBD5-related conditions. ClinVar contains an entry for this variant (Variation ID: 1223801). Experimental studies and prediction algorithms are not available or were not evaluated, and the functional significance of this variant is currently unknown. In summary, the available evidence is currently insufficient to determine the role of this variant in disease. Therefore, it has been classified as a Variant of Uncertain Significance.

GeneDx
Classification: Likely benign. Last evaluated: 2020-04-07. Review status: criteria provided, single submitter. Criteria: GeneDx Variant Classification Process June 2021. Collection method: clinical testing. Allele origin: germline. Affected: yes.